The following is an entry in ClinVar:

ClinVar aggregate classification (germline): Uncertain significance (1 of 4 stars; one submission).

Conditions:
Parathyroid carcinoma (PRTC). Also called: CDC73-Related Parathyroid Carcinoma; Parathyroid gland carcinoma. Identifiers: Orphanet 143, MedGen C0687150, MONDO:0012004, OMIM 608266, HP:0006780.

Submission:

Labcorp Genetics (formerly Invitae), Labcorp
Classification: Uncertain significance for Parathyroid carcinoma. Last evaluated: 2024-03-30. Review status: criteria provided, single submitter. Criteria: Invitae Variant Classification Sherloc (09022015). Collection method: clinical testing. Allele origin: germline.
Comment: This sequence change replaces proline, which is neutral and non-polar, with threonine, which is neutral and polar, at codon 84 of the CDC73 protein (p.Pro84Thr). This variant is not present in population databases (gnomAD no frequency). This variant has not been reported in the literature in individuals affected with CDC73-related conditions. Advanced modeling of protein sequence and biophysical properties (such as structural, functional, and spatial information, amino acid conservation, physicochemical variation, residue mobility, and thermodynamic stability) performed at Invitae indicates that this missense variant is not expected to disrupt CDC73 protein function with a negative predictive value of 80%. In summary, the available evidence is currently insufficient to determine the role of this variant in disease. Therefore, it has been classified as a Variant of Uncertain Significance.

NM_024529.5(CDC73):c.250C>A (p.Pro84Thr)

Gene: CDC73 (cell division cycle 73; plus strand). Cytogenetic location: 1q31.2.
Variant type: single nucleotide variant.
Coding change: c.250C>A on transcript NM_024529.5 (MANE Select); coding-DNA position 250, C replaced by A.
Protein change: p.Pro84Thr; replaces proline 84 with threonine.
Molecular consequence: missense variant.
Genome position (GRCh38, 1-based): chr1:193,130,186, C>A. VCF-style: chr1-193130186-C-A. GRCh37 (hg19) VCF-style: chr1-193099316-C-A.
Other names: short protein forms P84T.
Identifiers: ClinVar variation 3648166 (VCV003648166.2).